The following is an entry in ClinVar:

NM_030653.4(DDX11):c.1448T>A (p.Phe483Tyr)

Gene: DDX11 (DEAD/H-box helicase 11; plus strand). Cytogenetic location: 12p11.21.
Variant type: single nucleotide variant.
Coding change: c.1448T>A on transcript NM_030653.4 (MANE Select); coding-DNA position 1448, T replaced by A.
Protein change: p.Phe483Tyr; replaces phenylalanine 483 with tyrosine.
Molecular consequence: missense variant.
Genome position (GRCh38, 1-based): chr12:31,094,788, T>A. VCF-style: chr12-31094788-T-A. GRCh37 (hg19) VCF-style: chr12-31247722-T-A.
Other names: c.1448T>A, p.Phe483Tyr (NM_001257144.2, NM_001413692.1, NM_001413693.1 and 5 more transcripts); c.1370T>A, p.Phe457Tyr (NM_001257145.2, NM_001413697.1, NM_001413698.1 and 1 more transcripts); c.1361T>A, p.Phe454Tyr (NM_001413700.1); c.920T>A, p.Phe307Tyr (NM_001413702.1, NM_001413703.1); c.587T>A, p.Phe196Tyr (NM_001413704.1, NM_001413705.1); c.482T>A, p.Phe161Tyr (NM_001413706.1); short protein forms F196Y, F307Y, F454Y, F161Y, F457Y, F483Y.
Identifiers: ClinVar variation 2269345 (VCV002269345.4), dbSNP rs146403928, ClinGen allele CA6501314.
Genomic context (GRCh38, chr12:31,094,788, plus strand): 5'-CAAGGCCCTTCATGTGTTTGTTCTCAGGGACGGAGCTGAAGACCATCAACGACTTTCTCT[T>A]CCAGAGCCAGATCGACAACATCAACCTGTTCAAGGTAGAGGTTTCCACCTTTCCACATTC-3'
Protein context (NP_085911.2, residues 473-493): TELKTINDFL[Phe483Tyr]QSQIDNINLF

ClinVar aggregate classification (germline): Uncertain significance. Review status: criteria provided, multiple submitters, no conflicts (2 of 4 stars). 2 submissions from 2 submitters: Uncertain significance (2). Last evaluated 2024-12-09.

Conditions:
Inborn genetic diseases. Identifiers: MedGen C0950123, MeSH D030342.

Allele frequency attached by ClinVar (database versions not stated): gnomAD exomes 0.00001; ExAC 0.00005; ESP Exome Variant Server 0.00015; 1000 Genomes Project 30x 0.00016; gnomAD 0.00018; 1000 Genomes Project 0.00020.
gnomAD v4.1: 43 of 1,613,520 alleles (0.0027%); highest among the groups gnomAD compares: African/African-American, 0.056%; no homozygotes.

Submissions (2):

Ambry Genetics
Classification: Uncertain significance for Inborn genetic diseases. Last evaluated: 2024-12-09. Review status: criteria provided, single submitter. Criteria: Ambry Variant Classification Scheme 2023. Collection method: clinical testing. Allele origin: germline.

GeneDx
Classification: Uncertain significance. Last evaluated: 2024-05-15. Review status: criteria provided, single submitter. Criteria: GeneDx Variant Classification Process June 2021. Collection method: clinical testing. Allele origin: germline. Affected: yes.
Comment: In silico analysis indicates that this missense variant does not alter protein structure/function; Has not been previously published as pathogenic or benign to our knowledge